The following is an entry in ClinVar:

NM_001347721.2(DYRK1A):c.840del (p.Lys280fs)

Gene: DYRK1A (dual specificity tyrosine phosphorylation regulated kinase 1A; plus strand). Cytogenetic location: 21q22.13.
Variant type: Deletion.
Coding change: c.840del on transcript NM_001347721.2 (MANE Select); coding-DNA position 840, one base deleted (A; older notation c.840delA).
Protein change: p.Lys280fs; shifts the reading frame from lysine 280.
Molecular consequence: frameshift variant.
Genome position (GRCh38, 1-based): chr21:37,490,377, A deleted; the last of 4 consecutive A bases (chr21:37,490,374-37,490,377); deleting any one gives the same sequence. VCF-style (leftmost placement, unchanged base first): chr21-37490373-TA-T. GRCh37 (hg19) VCF-style: chr21-38862675-TA-T.
Other names: c.864delA (NM_001396.5); c.840del, p.Lys280fs (NM_001347722.2, NM_130436.2); c.753del, p.Lys251fs (NM_001347723.2); c.867del, p.Lys289fs (NM_001396.5, NM_101395.2, NM_130438.2); short protein forms K251fs, K280fs, K289fs.
Identifiers: ClinVar variation 2500801 (VCV002500801.1), dbSNP rs2148612955, ClinGen allele CA2580098706.

ClinVar aggregate classification (germline): Likely pathogenic (1 of 4 stars; one submission).

Conditions:
DYRK1A-related intellectual disability syndrome (MRD7). Also called: DYRK1A Syndrome; Intellectual developmental disorder, autosomal dominant 7. Identifiers: Orphanet 464306, MedGen C5568143, MONDO:0013578, OMIM 614104.

Submission:

Lifecell International Pvt. Ltd
Classification: Likely pathogenic for DYRK1A-related intellectual disability syndrome. Review status: criteria provided, single submitter. Criteria: ACMG Guidelines, 2015. Collection method: clinical testing. Allele origin: germline. Inheritance: Autosomal dominant inheritance. Affected: yes. Observed: 1 heterozygote.
Comment: A Heterozygous Frameshift variant c.864delA in Exon 7 of the DYRK1A gene that results in the amino acid substitution p.Lys289fs*17 was identified. The observed variant is novel in gnomAD exomes and genomes, respectively. The severity of the impact of this variant on the protein is high, based on the effect of the protein and REVEL score . Rare Exome Variant Ensemble Learner (REVEL) is an ensembl method for predicting the pathogenicity of missense variants based on a combination of scores from 13 individual tools: MutPred, FATHMM v2.3, VEST 3.0, PolyPhen-2, SIFT, PROVEAN, MutationAssessor, MutationTaster, LRT, GERP++, SiPhy, phyloP, and phastCons. The REVEL score for an individual missense variant can range from 0 to 1, with higher scores reflecting greater likelihood that the variant is disease-causing. Based on the above evidence this variant has been classified as Likely Pathogenic according to the ACMG guidelines.